The following is an entry in ClinVar:

ClinVar aggregate classification (germline): Pathogenic (1 of 4 stars; one submission).

Conditions:
Nemaline myopathy 2 (NEM2). Also called: Nemaline myopathy 2, autosomal recessive. Identifiers: MedGen C1850569, MONDO:0009725, OMIM 256030.

Submission:

Labcorp Genetics (formerly Invitae), Labcorp
Classification: Pathogenic for Nemaline myopathy 2. Last evaluated: 2021-12-02. Review status: criteria provided, single submitter. Criteria: Invitae Variant Classification Sherloc (09022015). Collection method: clinical testing. Allele origin: germline.
Comment: For these reasons, this variant has been classified as Pathogenic. ClinVar contains an entry for this variant (Variation ID: 1073910). This variant has not been reported in the literature in individuals affected with NEB-related conditions. This variant is not present in population databases (gnomAD no frequency). This sequence change creates a premature translational stop signal (p.Ile1987Asnfs*14) in the NEB gene. It is expected to result in an absent or disrupted protein product. Loss-of-function variants in NEB are known to be pathogenic (PMID: 25205138).

Literature cited by the submitters: PubMed 25205138.

NM_001164508.2(NEB):c.5959dup (p.Ile1987fs)

Gene: NEB (nebulin; minus strand). Cytogenetic location: 2q23.3.
Variant type: Duplication.
Coding change: c.5959dup on transcript NM_001164508.2 (MANE Select); coding-DNA position 5959, one base duplicated (A; older notation c.5959dupA).
Protein change: p.Ile1987fs; shifts the reading frame from isoleucine 1987.
Molecular consequence: frameshift variant.
Genome position (GRCh38, 1-based): chr2:151,662,146, T duplicated on the plus strand (A on the coding strand, the reverse complement: NEB is on the minus strand); the first of 5 consecutive T bases (chr2:151,662,146-151,662,150); duplicating any one gives the same sequence. VCF-style (leftmost placement, unchanged base first): chr2-151662145-A-AT. GRCh37 (hg19) VCF-style: chr2-152518659-A-AT.
Other names: c.5959dup, p.Ile1987fs (NM_001164507.2, NM_001271208.2, NM_004543.5); short protein forms I1987fs.
Identifiers: ClinVar variation 1073910 (VCV001073910.7), dbSNP rs2154168541, ClinGen allele CA2499215110.